The following is an entry in ClinVar:

NM_001243279.3(ACSF3):c.246del (p.Cys83fs)

Gene: ACSF3 (acyl-CoA synthetase family member 3; plus strand). Cytogenetic location: 16q24.3.
Variant type: Deletion.
Coding change: c.246del on transcript NM_001243279.3 (MANE Select); coding-DNA position 246, one base deleted (C; older notation c.246delC).
Protein change: p.Cys83fs; shifts the reading frame from cysteine 83.
Molecular consequence: frameshift variant. On other transcripts: non-coding transcript variant (3), intron variant (1).
Genome position (GRCh38, 1-based): chr16:89,100,927, C deleted. VCF-style (leftmost placement, unchanged base first): chr16-89100926-TC-T. GRCh37 (hg19) VCF-style: chr16-89167334-TC-T.
Other names: c.246delC (NM_174917.4); c.246del, p.Cys83fs (NM_001127214.4, NM_174917.5); c.-129-1677del (NM_001284316.2); short protein forms C83fs.
Identifiers: ClinVar variation 855742 (VCV000855742.11), dbSNP rs772073893, ClinGen allele CA8237586.

ClinVar aggregate classification (germline): Pathogenic/Likely pathogenic. Review status: criteria provided, multiple submitters, no conflicts (2 of 4 stars). 4 submissions from 4 submitters: Pathogenic (1); Likely pathogenic (3). Last evaluated 2025-02-20.

Conditions:
Combined malonic and methylmalonic acidemia. Identifiers: Orphanet 289504, MedGen C3280314, MONDO:0013661, OMIM 614265.

Allele frequency attached by ClinVar (database versions not stated): gnomAD exomes below 0.00001 and 0.00001; ExAC 0.00001; TOPMed 0.00003; gnomAD 0.00005.

Submissions (4):

Natera, Inc.
Classification: Likely pathogenic for Combined malonic and methylmalonic aciduria. Last evaluated: 2025-02-20. Review status: criteria provided, single submitter. Criteria: Natera Variant Classification Schema (03/2026). Collection method: clinical testing. Allele origin: germline.
Comment: The c.246delC variant in ACSF3 is a frameshift variant predicted to shift the reading frame beginning at codon 83 and leads to a stop codon 35 codons downstream. This variant is expected to result in nonsense mediated decay, truncation, or a dysfunctional protein product. This variant is rare in the general population with a frequency below the threshold expected for the associated phenotype(s). Given the available evidence, this variant is classified as Likely Pathogenic.

Labcorp Genetics (formerly Invitae), Labcorp
Classification: Pathogenic for Combined malonic and methylmalonic acidemia. Last evaluated: 2024-03-13. Review status: criteria provided, single submitter. Criteria: Invitae Variant Classification Sherloc (09022015). Collection method: clinical testing. Allele origin: germline.
Comment: This sequence change creates a premature translational stop signal (p.Cys83Alafs*35) in the ACSF3 gene. It is expected to result in an absent or disrupted protein product. Loss-of-function variants in ACSF3 are known to be pathogenic (PMID: 21841779, 26827111). This variant is present in population databases (rs772073893, gnomAD 0.007%). This variant has not been reported in the literature in individuals affected with ACSF3-related conditions. ClinVar contains an entry for this variant (Variation ID: 855742). For these reasons, this variant has been classified as Pathogenic.

Baylor Genetics
Classification: Likely pathogenic for Combined malonic and methylmalonic acidemia. Last evaluated: 2024-02-12. Review status: criteria provided, single submitter. Criteria: ACMG Guidelines, 2015. Collection method: clinical testing. Allele origin: unknown.

Fulgent Genetics
Classification: Likely pathogenic for Combined malonic and methylmalonic acidemia. Last evaluated: 2022-05-02. Review status: criteria provided, single submitter. Criteria: ACMG Guidelines, 2015. Collection method: clinical testing. Allele origin: unknown.

Literature cited by the submitters: PubMed 21841779 (cited by Labcorp Genetics (formerly Invitae), Labcorp); PubMed 26827111 (cited by Labcorp Genetics (formerly Invitae), Labcorp).